The following is an entry in ClinVar:

NM_001024630.4(RUNX2):c.1549G>T (p.Val517Phe)

Gene: RUNX2 (RUNX family transcription factor 2; plus strand). Cytogenetic location: 6p21.1.
Variant type: single nucleotide variant.
Coding change: c.1549G>T on transcript NM_001024630.4 (MANE Select); coding-DNA position 1549, G replaced by T.
Protein change: p.Val517Phe; replaces valine 517 with phenylalanine.
Molecular consequence: missense variant.
Genome position (GRCh38, 1-based): chr6:45,547,288, G>T. VCF-style: chr6-45547288-G-T. GRCh37 (hg19) VCF-style: chr6-45515025-G-T.
Other names: c.1483G>T, p.Val495Phe (NM_001015051.4); c.1441G>T, p.Val481Phe (NM_001278478.2); c.1507G>T, p.Val503Phe (NM_001369405.1); short protein forms V503F, V517F, V481F, V495F.
Identifiers: ClinVar variation 4743260 (VCV004743260.1).

ClinVar aggregate classification (germline): Uncertain significance (1 of 4 stars; one submission).

Submission:

Labcorp Genetics (formerly Invitae), Labcorp
Classification: Uncertain significance. Last evaluated: 2025-07-07. Review status: criteria provided, single submitter. Criteria: Invitae Variant Classification Sherloc (09022015). Collection method: clinical testing. Allele origin: germline.
Comment: This sequence change replaces valine, which is neutral and non-polar, with phenylalanine, which is neutral and non-polar, at codon 517 of the RUNX2 protein (p.Val517Phe). This variant is not present in population databases (gnomAD no frequency). This variant has not been reported in the literature in individuals affected with RUNX2-related conditions. Invitae Evidence Modeling of protein sequence and biophysical properties (such as structural, functional, and spatial information, amino acid conservation, physicochemical variation, residue mobility, and thermodynamic stability) indicates that this missense variant is expected to disrupt RUNX2 protein function with a positive predictive value of 80%. In summary, the available evidence is currently insufficient to determine the role of this variant in disease. Therefore, it has been classified as a Variant of Uncertain Significance.